The following is an entry in ClinVar:

NM_176869.3(PPA2):c.346C>T (p.Pro116Ser)

Gene: PPA2 (inorganic pyrophosphatase 2; minus strand). Cytogenetic location: 4q24.
Variant type: single nucleotide variant.
Coding change: c.346C>T on transcript NM_176869.3 (MANE Select); coding-DNA position 346, C replaced by T.
Protein change: p.Pro116Ser; replaces proline 116 with serine.
Molecular consequence: missense variant. On other transcripts: intron variant (2).
Genome position (GRCh38, 1-based): chr4:105,446,478, G>A on the plus strand (C>T on the coding strand, the complement: PPA2 is on the minus strand). VCF-style: chr4-105446478-G-A. GRCh37 (hg19) VCF-style: chr4-106367635-G-A.
Other names: c.346C>T, p.Pro116Ser (NM_006903.4); c.157+27416C>T (NM_176867.3); c.222+10203C>T (NM_176866.2); short protein forms P116S.
Identifiers: ClinVar variation 1048573 (VCV001048573.8), dbSNP rs373735128, ClinGen allele CA3032573.

ClinVar aggregate classification (germline): Conflicting classifications of pathogenicity. Review status: criteria provided, conflicting classifications (1 of 4 stars). 4 submissions from 3 submitters: Pathogenic (1); Likely pathogenic (1); Uncertain significance (2). Last evaluated 2025-12-31.

Conditions:
Sudden cardiac failure, alcohol-induced (SCFAI). Identifiers: MedGen C4310663, MONDO:0014974, OMIM 617223.
Sudden cardiac failure, infantile (SCFI). Identifiers: MedGen C4310664, MONDO:0014973, OMIM 617222.

Allele frequency attached by ClinVar (database versions not stated): gnomAD 0.00001 and 0.00003; TOPMed 0.00003; gnomAD exomes 0.00004 and 0.00005; ExAC 0.00005; ESP Exome Variant Server 0.00008.
gnomAD v4.1: 67 of 1,603,284 alleles (0.0042%); highest among the groups gnomAD compares: Non-Finnish European, 0.0048%; no homozygotes.

Submissions (4):

GeneDx
Classification: Likely pathogenic. Last evaluated: 2025-12-31. Review status: criteria provided, single submitter. Criteria: GeneDx Variant Classification Process June 2021. Collection method: clinical testing. Allele origin: germline. Affected: yes.
Comment: Not observed at a significant frequency in large population cohorts (gnomAD); Published functional studies suggest a damaging effect through reduced enzymatic activity (PMID: 34400813); In silico analysis supports that this missense variant has a deleterious effect on protein structure/function; This variant is associated with the following publications: (PMID: 34400813, 33726816)

Labcorp Genetics (formerly Invitae), Labcorp
Classification: Pathogenic. Last evaluated: 2025-11-12. Review status: criteria provided, single submitter. Criteria: Invitae Variant Classification Sherloc (09022015). Collection method: clinical testing. Allele origin: germline.
Comment: This sequence change replaces proline, which is neutral and non-polar, with serine, which is neutral and polar, at codon 116 of the PPA2 protein (p.Pro116Ser). This variant is present in population databases (rs373735128, gnomAD 0.009%). This missense change has been observed in individual(s) with sudden death in early childhood (PMID: 34400813). In at least one individual the data is consistent with being in trans (on the opposite chromosome) from a pathogenic variant. It has also been observed to segregate with disease in related individuals. ClinVar contains an entry for this variant (Variation ID: 1048573). Invitae Evidence Modeling of protein sequence and biophysical properties (such as structural, functional, and spatial information, amino acid conservation, physicochemical variation, residue mobility, and thermodynamic stability) indicates that this missense variant is expected to disrupt PPA2 protein function with a positive predictive value of 95%. For these reasons, this variant has been classified as Pathogenic.

PPA2 laboratory, University of Otago
Classification: Uncertain significance for Sudden cardiac failure, infantile. Last evaluated: 2021-03-02. Review status: criteria provided, single submitter. Criteria: ACMG Guidelines, 2015. Collection method: research. Allele origin: germline. Affected: yes.

PPA2 laboratory, University of Otago
Classification: Uncertain significance for Sudden cardiac failure, alcohol-induced. Last evaluated: 2021-03-02. Review status: criteria provided, single submitter. Criteria: ACMG Guidelines, 2015. Collection method: research. Allele origin: germline. Affected: yes.

Literature cited by the submitters: PubMed 34400813 (cited by Labcorp Genetics (formerly Invitae), Labcorp).